The following is an entry in ClinVar:

ClinVar aggregate classification (germline): Likely benign (1 of 4 stars; one submission).

Allele frequency attached by ClinVar (database versions not stated): gnomAD 0.00014; gnomAD exomes 0.00057.
gnomAD v4.1: 152 of 295,076 alleles (0.052%); highest among the groups gnomAD compares: Non-Finnish European, 0.076%; no homozygotes.

Submission:

CeGaT Center for Human Genetics Tuebingen
Classification: Likely benign. Last evaluated: 2023-02-01. Review status: criteria provided, single submitter. Criteria: CeGaT Center For Human Genetics Tuebingen Variant Classification Criteria Version 2. Collection method: clinical testing. Allele origin: germline. Affected: yes. Observed: 1 variant allele.
Comment: ZNF462: BP4, BP7

NM_021224.6(ZNF462):c.3315G>A (p.Pro1105=)

Gene: ZNF462 (zinc finger protein 462; plus strand). Cytogenetic location: 9q31.2.
Variant type: single nucleotide variant.
Coding change: c.3315G>A on transcript NM_021224.6 (MANE Select); coding-DNA position 3315, G replaced by A.
Protein change: p.Pro1105=; no amino-acid change (proline 1105 retained).
Molecular consequence: synonymous variant. On other transcripts: intron variant (1).
Genome position (GRCh38, 1-based): chr9:106,927,227, G>A. VCF-style: chr9-106927227-G-A. GRCh37 (hg19) VCF-style: chr9-109689508-G-A.
Other names: c.3252+63G>A (NM_001347997.2).
Identifiers: ClinVar variation 2659374 (VCV002659374.24), dbSNP rs748043392, ClinGen allele CA5171649.